The following is an entry in ClinVar:

ClinVar aggregate classification (germline): Pathogenic/Likely pathogenic. Review status: criteria provided, multiple submitters, no conflicts (2 of 4 stars). 2 submissions from 2 submitters: Pathogenic (1); Likely pathogenic (1). Last evaluated 2025-07-02.

Conditions:
SLC24A1-related disorder. Also called: SLC24A1-related condition.

Allele frequency attached by ClinVar (database versions not stated): ExAC 0.00001; gnomAD exomes 0.00001 and 0.00002; TOPMed 0.00001 and 0.00002; gnomAD 0.00002.

Submissions (2):

PreventionGenetics, part of Exact Sciences
Classification: Likely pathogenic for SLC24A1-related condition. Last evaluated: 2025-07-02. Review status: criteria provided, single submitter. Criteria: ACMG Guidelines, 2015. Collection method: clinical testing. Allele origin: germline.
Comment: The SLC24A1 c.2679delT variant is predicted to result in a frameshift and premature protein termination (p.Asn893Lysfs*31). This variant has been reported in the homozygous state in an individual with retinitis pigmentosa (Carrigan et al. 2016. PubMed ID: 27624628). This variant is present in 0.0024% of alleles in individuals of European (Non-Finnish) descent in gnomAD. Frameshift variants in SLC24A1 are an established mechanism of disease. This variant is interpreted as likely pathogenic.

Labcorp Genetics (formerly Invitae), Labcorp
Classification: Pathogenic. Last evaluated: 2025-03-12. Review status: criteria provided, single submitter. Criteria: Invitae Variant Classification Sherloc (09022015). Collection method: clinical testing. Allele origin: germline.
Comment: This sequence change creates a premature translational stop signal (p.Asn893Lysfs*31) in the SLC24A1 gene. It is expected to result in an absent or disrupted protein product. Loss-of-function variants in SLC24A1 are known to be pathogenic (PMID: 20850105, 26822852). This variant is present in population databases (rs767036519, gnomAD 0.002%). This premature translational stop signal has been observed in individual(s) with retinitis pigmentosa (PMID: 27624628). ClinVar contains an entry for this variant (Variation ID: 2736224). For these reasons, this variant has been classified as Pathogenic.

Literature cited by the submitters: PubMed 20850105 (cited by Labcorp Genetics (formerly Invitae), Labcorp); PubMed 26822852 (cited by Labcorp Genetics (formerly Invitae), Labcorp); PubMed 27624628 (cited by Labcorp Genetics (formerly Invitae), Labcorp).

NM_004727.3(SLC24A1):c.2679del (p.Asn893fs)

Gene: SLC24A1 (solute carrier family 24 member 1; plus strand). Cytogenetic location: 15q22.31.
Variant type: Deletion.
Coding change: c.2679del on transcript NM_004727.3 (MANE Select); coding-DNA position 2679, one base deleted (T; older notation c.2679delT).
Protein change: p.Asn893fs; shifts the reading frame from asparagine 893.
Molecular consequence: frameshift variant.
Genome position (GRCh38, 1-based): chr15:65,650,828, T deleted. VCF-style (leftmost placement, unchanged base first): chr15-65650827-AT-A. GRCh37 (hg19) VCF-style: chr15-65943165-AT-A.
Other names: c.660del, p.Asn220fs (NM_001254740.2); c.2679del, p.Asn893fs (NM_001301031.1); c.2625del, p.Asn875fs (NM_001301032.1, NM_001301033.2); short protein forms N893fs, N220fs, N875fs.
Identifiers: ClinVar variation 2736224 (VCV002736224.4), dbSNP rs767036519, ClinGen allele CA7620181.
Genomic context (GRCh38, chr15:65,650,827, plus strand): 5'-AGGAGGAGGAAGAGCAGGAGGAAGAGGAGGAGGAGGAGGAGGAAGAGGAGGAGAAGGGAA[AT>A]GAAGAGCCTCTGTCCCTGGACTGGCCTGAAACCAGGCAGAAGCAGGCCATTTACCTCTTC-3'